The following is an entry in ClinVar:

ClinVar aggregate classification (germline): Uncertain significance (1 of 4 stars; one submission).

gnomAD v4.1: 16 of 1,613,246 alleles (0.00099%); highest among the groups gnomAD compares: Admixed American, 0.018%; no homozygotes.

Submission:

Labcorp Genetics (formerly Invitae), Labcorp
Classification: Uncertain significance. Last evaluated: 2025-03-05. Review status: criteria provided, single submitter. Criteria: Invitae Variant Classification Sherloc (09022015). Collection method: clinical testing. Allele origin: germline.
Comment: This sequence change falls in intron 4 of the CRYM gene. It does not directly change the encoded amino acid sequence of the CRYM protein. It affects a nucleotide within the consensus splice site. This variant is present in population databases (no rsID available, gnomAD 0.006%). This variant has not been reported in the literature in individuals affected with CRYM-related conditions. Variants that disrupt the consensus splice site are a relatively common cause of aberrant splicing (PMID: 17576681, 9536098). Algorithms developed to predict the effect of sequence changes on RNA splicing suggest that this variant is not likely to affect RNA splicing. In summary, the available evidence is currently insufficient to determine the role of this variant in disease. Therefore, it has been classified as a Variant of Uncertain Significance.

Literature cited by the submitters: PubMed 17576681; PubMed 9536098.

NM_001376256.1(CRYM):c.325-3A>C

Gene: CRYM (crystallin mu; minus strand). Cytogenetic location: 16p12.2.
Variant type: single nucleotide variant.
Coding change: c.325-3A>C on transcript NM_001376256.1 (MANE Select); 3 bases into the intron before coding-DNA position 325, A replaced by C.
Molecular consequence: intron variant.
Genome position (GRCh38, 1-based): chr16:21,275,597, T>G on the plus strand (A>C on the coding strand, the complement: CRYM is on the minus strand). VCF-style: chr16-21275597-T-G. GRCh37 (hg19) VCF-style: chr16-21286918-T-G.
Other names: c.325-3A>C (NM_001888.5).
Identifiers: ClinVar variation 4735678 (VCV004735678.1).